The following is an entry in ClinVar:

NM_001999.4(FBN2):c.863A>C (p.Gln288Pro)

Gene: FBN2 (fibrillin 2; minus strand). Cytogenetic location: 5q23.3.
Variant type: single nucleotide variant.
Coding change: c.863A>C on transcript NM_001999.4 (MANE Select); coding-DNA position 863, A replaced by C.
Protein change: p.Gln288Pro; replaces glutamine 288 with proline.
Molecular consequence: missense variant.
Genome position (GRCh38, 1-based): chr5:128,446,570, T>G on the plus strand (A>C on the coding strand, the complement: FBN2 is on the minus strand). VCF-style: chr5-128446570-T-G. GRCh37 (hg19) VCF-style: chr5-127782263-T-G.
Other names: short protein forms Q288P.
Identifiers: ClinVar variation 3705674 (VCV003705674.2).

ClinVar aggregate classification (germline): Uncertain significance (1 of 4 stars; one submission).

Conditions:
Congenital contractural arachnodactyly (CCA). Also called: Beals-Hecht syndrome; BEALS SYNDROME; Arthrogryposis, distal, type 9. Identifiers: Orphanet 115, MedGen C0220668, MONDO:0007363, OMIM 121050.

gnomAD v4.1: 2 of 1,613,760 alleles (0.00012%); highest among the groups gnomAD compares: Non-Finnish European, 0.00017%; no homozygotes.

Submission:

Labcorp Genetics (formerly Invitae), Labcorp
Classification: Uncertain significance for Congenital contractural arachnodactyly. Last evaluated: 2025-01-13. Review status: criteria provided, single submitter. Criteria: Invitae Variant Classification Sherloc (09022015). Collection method: clinical testing. Allele origin: germline.
Comment: This sequence change replaces glutamine, which is neutral and polar, with proline, which is neutral and non-polar, at codon 288 of the FBN2 protein (p.Gln288Pro). This variant is not present in population databases (gnomAD no frequency). This variant has not been reported in the literature in individuals affected with FBN2-related conditions. Invitae Evidence Modeling of protein sequence and biophysical properties (such as structural, functional, and spatial information, amino acid conservation, physicochemical variation, residue mobility, and thermodynamic stability) indicates that this missense variant is not expected to disrupt FBN2 protein function with a negative predictive value of 80%. In summary, the available evidence is currently insufficient to determine the role of this variant in disease. Therefore, it has been classified as a Variant of Uncertain Significance.